The following is an entry in ClinVar:

ClinVar aggregate classification (germline): Uncertain significance. Review status: criteria provided, multiple submitters, no conflicts (2 of 4 stars). 3 submissions from 3 submitters: Uncertain significance (3). Last evaluated 2025-08-04.

Conditions:
Inborn genetic diseases. Identifiers: MedGen C0950123, MeSH D030342.
Lymphoproliferative syndrome 2 (LPFS2). Also called: Combined immunodeficiency due to CD27 deficiency; CD27 DEFICIENCY. Identifiers: Orphanet 238505, MedGen C3554540, MONDO:0014054, OMIM 615122.

Allele frequency attached by ClinVar (database versions not stated): gnomAD 0.00005; gnomAD exomes 0.00005; TOPMed 0.00008; ESP Exome Variant Server 0.00015.
gnomAD v4.1: 81 of 1,612,986 alleles (0.005%); highest among the groups gnomAD compares: Admixed American, 0.022%; no homozygotes.

Submissions (3):

Ambry Genetics
Classification: Uncertain significance for Inborn genetic diseases. Last evaluated: 2025-08-04. Review status: criteria provided, single submitter. Criteria: Ambry Variant Classification Scheme 2023. Collection method: clinical testing. Allele origin: germline.

Blueprint Genetics
Classification: Uncertain significance. Last evaluated: 2024-10-21. Review status: criteria provided, single submitter. Criteria: ACMG Guidelines, 2015. Collection method: clinical testing. Allele origin: germline.

Labcorp Genetics (formerly Invitae), Labcorp
Classification: Uncertain significance for Lymphoproliferative syndrome 2. Last evaluated: 2022-10-18. Review status: criteria provided, single submitter. Criteria: Invitae Variant Classification Sherloc (09022015). Collection method: clinical testing. Allele origin: germline.
Comment: This sequence change replaces histidine, which is basic and polar, with glutamine, which is neutral and polar, at codon 139 of the CD27 protein (p.His139Gln). This variant is present in population databases (rs144098443, gnomAD 0.03%). This variant has not been reported in the literature in individuals affected with CD27-related conditions. ClinVar contains an entry for this variant (Variation ID: 949853). Advanced modeling of protein sequence and biophysical properties (such as structural, functional, and spatial information, amino acid conservation, physicochemical variation, residue mobility, and thermodynamic stability) performed at Invitae indicates that this missense variant is not expected to disrupt CD27 protein function. In summary, the available evidence is currently insufficient to determine the role of this variant in disease. Therefore, it has been classified as a Variant of Uncertain Significance.

NM_001242.5(CD27):c.417C>A (p.His139Gln)

Genes: CD27 (CD27 molecule; plus strand), CD27-AS1 (CD27 antisense RNA 1; minus strand). Cytogenetic location: 12p13.31.
Variant type: single nucleotide variant.
Coding change: c.417C>A on transcript NM_001242.5 (MANE Select); coding-DNA position 417, C replaced by A.
Protein change: p.His139Gln; replaces histidine 139 with glutamine.
Molecular consequence: missense variant.
Genome position (GRCh38, 1-based): chr12:6,450,321, C>A. VCF-style: chr12-6450321-C-A. GRCh37 (hg19) VCF-style: chr12-6559487-C-A.
Other names: short protein forms H139Q.
Identifiers: ClinVar variation 949853 (VCV000949853.11), dbSNP rs144098443, ClinGen allele CA6406966.